The following is an entry in ClinVar:

NM_199355.4(ADAMTS18):c.438G>C (p.Gln146His)

Gene: ADAMTS18 (ADAM metallopeptidase with thrombospondin type 1 motif 18; minus strand). Cytogenetic location: 16q23.1.
Variant type: single nucleotide variant.
Coding change: c.438G>C on transcript NM_199355.4 (MANE Select); coding-DNA position 438, G replaced by C.
Protein change: p.Gln146His; replaces glutamine 146 with histidine.
Molecular consequence: missense variant. On other transcripts: 5 prime UTR variant (1).
Genome position (GRCh38, 1-based): chr16:77,431,352, C>G on the plus strand (G>C on the coding strand, the complement: ADAMTS18 is on the minus strand). VCF-style: chr16-77431352-C-G. GRCh37 (hg19) VCF-style: chr16-77465249-C-G.
Other names: c.-83G>C (NM_001326358.2); short protein forms Q146H.
Identifiers: ClinVar variation 718207 (VCV000718207.23), dbSNP rs151326659, ClinGen allele CA8181682.

ClinVar aggregate classification (germline): Likely benign. Review status: criteria provided, multiple submitters, no conflicts (2 of 4 stars). 5 submissions from 5 submitters: Likely benign (4). 1 of the submissions does not count toward it. Last evaluated 2026-03-01.

Conditions:
ADAMTS18-related disorder. Also called: ADAMTS18-related condition.

Allele frequency attached by ClinVar (database versions not stated): ESP Exome Variant Server 0.00054; 1000 Genomes Project 0.00080; 1000 Genomes Project 30x 0.00094; gnomAD 0.00106 and 0.00112; ExAC 0.00111; TOPMed 0.00116; gnomAD exomes 0.00120 and 0.00133.
gnomAD v4.1: 2,136 of 1,614,130 alleles (0.13%); highest among the groups gnomAD compares: Middle Eastern, 0.36%; 2 homozygotes.

Submissions (5):

CeGaT Center for Human Genetics Tuebingen
Classification: Likely benign. Last evaluated: 2026-03-01. Review status: criteria provided, single submitter. Criteria: CeGaT Center For Human Genetics Tuebingen Variant Classification Criteria Version 2. Collection method: clinical testing. Allele origin: germline. Affected: yes. Observed: 2 variant alleles.
Comment: ADAMTS18: BS2

Labcorp Genetics (formerly Invitae), Labcorp
Classification: Likely benign. Last evaluated: 2026-01-20. Review status: criteria provided, single submitter. Criteria: Invitae Variant Classification Sherloc (09022015). Collection method: clinical testing. Allele origin: germline.

Blueprint Genetics
Classification: Likely benign. Last evaluated: 2024-11-22. Review status: criteria provided, single submitter. Criteria: ACMG Guidelines, 2015. Collection method: clinical testing. Allele origin: germline.

Breakthrough Genomics
Classification: Likely benign. Review status: criteria provided, single submitter. Criteria: ACMG Guidelines, 2015. Collection method: not provided. Allele origin: germline. Inheritance: Autosomal recessive inheritance. Affected: yes.

PreventionGenetics, part of Exact Sciences
Classification: Likely benign for ADAMTS18-related condition. Last evaluated: 2020-12-10. Review status: no assertion criteria provided. Collection method: clinical testing. Allele origin: germline. Not counted in ClinVar's aggregate classification.
Comment: This variant is classified as likely benign based on ACMG/AMP sequence variant interpretation guidelines (Richards et al. 2015 PMID: 25741868, with internal and published modifications).